The following is an entry in ClinVar:

ClinVar aggregate classification (germline): Uncertain significance (1 of 4 stars; one submission).

Allele frequency attached by ClinVar (database versions not stated): gnomAD exomes 0.00001; TOPMed 0.00004; gnomAD 0.00006; ExAC 0.00011; 1000 Genomes Project 30x 0.00016; 1000 Genomes Project 0.00020.
gnomAD v4.1: 28 of 1,414,852 alleles (0.002%); highest among the groups gnomAD compares: East Asian, 0.044%; no homozygotes.

Submission:

Labcorp Genetics (formerly Invitae), Labcorp
Classification: Uncertain significance. Last evaluated: 2023-06-22. Review status: criteria provided, single submitter. Criteria: Invitae Variant Classification Sherloc (09022015). Collection method: clinical testing. Allele origin: germline.
Comment: This sequence change replaces valine, which is neutral and non-polar, with glutamic acid, which is acidic and polar, at codon 4 of the PMPCA protein (p.Val4Glu). This variant is present in population databases (rs76293177, gnomAD 0.1%). In summary, the available evidence is currently insufficient to determine the role of this variant in disease. Therefore, it has been classified as a Variant of Uncertain Significance. Algorithms developed to predict the effect of sequence changes on RNA splicing suggest that this variant may create or strengthen a splice site. Experimental studies and prediction algorithms are not available or were not evaluated, and the functional significance of this variant is currently unknown. This variant has not been reported in the literature in individuals affected with PMPCA-related conditions.

NM_015160.3(PMPCA):c.11T>A (p.Val4Glu)

Gene: PMPCA (peptidase, mitochondrial processing subunit alpha; plus strand). Cytogenetic location: 9q34.3.
Variant type: single nucleotide variant.
Coding change: c.11T>A on transcript NM_015160.3 (MANE Select); coding-DNA position 11, T replaced by A.
Protein change: p.Val4Glu; replaces valine 4 with glutamic acid.
Molecular consequence: missense variant. On other transcripts: 5 prime UTR variant (2).
Genome position (GRCh38, 1-based): chr9:136,410,679, T>A. VCF-style: chr9-136410679-T-A. GRCh37 (hg19) VCF-style: chr9-139305131-T-A.
Other names: c.-288T>A (NM_001282944.2, NM_001282946.2); short protein forms V4E.
Identifiers: ClinVar variation 2715128 (VCV002715128.3), dbSNP rs76293177, ClinGen allele CA5335794.
Genomic context (GRCh38, chr9:136,410,679, plus strand): 5'-AGCCGTGGGCGGAAGCGGAAGTGACGACTGAAGCGGGGCGGAGACGCAAGATGGCGGCTG[T>A]GGTGCTGGCGGCGACGCGGTTGCTGCGGGGCTCGGGTTCTTGGGGCTGTTCGCGGCTGAG-3'
Protein context (NP_055975.1, residues 1-14): MAA[Val4Glu]VLAATRLLRG